The following is an entry in ClinVar:

NM_001163809.2(WDR81):c.2810C>T (p.Thr937Ile)

Gene: WDR81 (WD repeat domain 81; plus strand). Cytogenetic location: 17p13.3.
Variant type: single nucleotide variant.
Coding change: c.2810C>T on transcript NM_001163809.2 (MANE Select); coding-DNA position 2810, C replaced by T.
Protein change: p.Thr937Ile; replaces threonine 937 with isoleucine.
Molecular consequence: missense variant. On other transcripts: intron variant (3).
Genome position (GRCh38, 1-based): chr17:1,727,769, C>T. VCF-style: chr17-1727769-C-T. GRCh37 (hg19) VCF-style: chr17-1631063-C-T.
Other names: c.-123-221C>T (NM_152348.4); c.59-2611C>T (NM_001163673.2); c.-14-2611C>T (NM_001163811.2); short protein forms T937I.
Identifiers: ClinVar variation 3764259 (VCV003764259.1).

ClinVar aggregate classification (germline): Uncertain significance (1 of 4 stars; one submission).

Submission:

GeneDx
Classification: Uncertain significance. Last evaluated: 2024-08-22. Review status: criteria provided, single submitter. Criteria: GeneDx Variant Classification Process June 2021. Collection method: clinical testing. Allele origin: germline. Affected: yes.
Comment: Not observed at significant frequency in large population cohorts (gnomAD); In silico analysis supports that this missense variant has a deleterious effect on protein structure/function; Has not been previously published as pathogenic or benign to our knowledge